The following is an entry in ClinVar:

NM_000632.4(ITGAM):c.1553G>A (p.Gly518Asp)

Gene: ITGAM (integrin subunit alpha M; plus strand). Cytogenetic location: 16p11.2.
Variant type: single nucleotide variant.
Coding change: c.1553G>A on transcript NM_000632.4 (MANE Select); coding-DNA position 1553, G replaced by A.
Protein change: p.Gly518Asp; replaces glycine 518 with aspartic acid.
Molecular consequence: missense variant.
Genome position (GRCh38, 1-based): chr16:31,297,800, G>A. VCF-style: chr16-31297800-G-A. GRCh37 (hg19) VCF-style: chr16-31309121-G-A.
Other names: c.1556G>A, p.Gly519Asp (NM_001145808.2); short protein forms G518D, G519D.
Identifiers: ClinVar variation 4745659 (VCV004745659.1).
Genomic context (GRCh38, chr16:31,297,800, plus strand): 5'-AGCAGAGGGCTCGGTGGCAGTGTGATGCTGTTCTCTACGGGGAGCAGGGCCAACCCTGGG[G>A]CCGCTTTGGGGCAGCCCTAACAGTGCTGGGGGACGTAAATGGGGACAAGCTGACGGACGT-3'
Protein context (NP_000623.2, residues 508-528): VLYGEQGQPW[Gly518Asp]RFGAALTVLG

ClinVar aggregate classification (germline): Uncertain significance (1 of 4 stars; one submission).

Submission:

Labcorp Genetics (formerly Invitae), Labcorp
Classification: Uncertain significance. Last evaluated: 2025-12-03. Review status: criteria provided, single submitter. Criteria: Invitae Variant Classification Sherloc (09022015). Collection method: clinical testing. Allele origin: germline.
Comment: This sequence change replaces glycine, which is neutral and non-polar, with aspartic acid, which is acidic and polar, at codon 518 of the ITGAM protein (p.Gly518Asp). This variant is not present in population databases (gnomAD no frequency). This variant has not been reported in the literature in individuals affected with ITGAM-related conditions. An algorithm developed to predict the effect of missense changes on protein structure and function (PolyPhen-2) suggests that this variant is likely to be disruptive. In summary, the available evidence is currently insufficient to determine the role of this variant in disease. Therefore, it has been classified as a Variant of Uncertain Significance.